The following is an entry in ClinVar:

NM_004172.5(SLC1A3):c.510C>G (p.Phe170Leu)

Genes: SLC1A3 (solute carrier family 1 member 3; plus strand), SLC1A3-AS1 (SLC1A3 antisense RNA 1; minus strand). Cytogenetic location: 5p13.2.
Variant type: single nucleotide variant.
Coding change: c.510C>G on transcript NM_004172.5 (MANE Select); coding-DNA position 510, C replaced by G.
Protein change: p.Phe170Leu; replaces phenylalanine 170 with leucine.
Molecular consequence: missense variant.
Genome position (GRCh38, 1-based): chr5:36,671,219, C>G. VCF-style: chr5-36671219-C-G. GRCh37 (hg19) VCF-style: chr5-36671321-C-G.
Other names: c.510C>G, p.Phe170Leu (NM_001166695.3, NM_001289940.2); c.372C>G, p.Phe124Leu (NM_001289939.2); short protein forms F170L, F124L.
Identifiers: ClinVar variation 426756 (VCV000426756.43), dbSNP rs774420370, ClinGen allele CA3235463.

ClinVar aggregate classification (germline): Uncertain significance. Review status: criteria provided, multiple submitters, no conflicts (2 of 4 stars). 4 submissions from 4 submitters: Uncertain significance (4). Last evaluated 2021-09-05.

Conditions:
Episodic ataxia type 6. Identifiers: Orphanet 209967, MedGen C2675211, MONDO:0012982, OMIM 612656.

Allele frequency attached by ClinVar (database versions not stated): ExAC 0.00001; gnomAD exomes 0.00001; TOPMed 0.00001; gnomAD 0.00003.
gnomAD v4.1: 32 of 1,612,962 alleles (0.002%); highest among the groups gnomAD compares: Admixed American, 0.0033%; no homozygotes.

Submissions (4):

Genome-Nilou Lab
Classification: Uncertain significance for Episodic ataxia type 6. Last evaluated: 2021-09-05. Review status: criteria provided, single submitter. Criteria: ACMG Guidelines, 2015. Collection method: clinical testing. Allele origin: germline. Affected: no.

CeGaT Center for Human Genetics Tuebingen
Classification: Uncertain significance. Last evaluated: 2020-12-01. Review status: criteria provided, single submitter. Criteria: CeGaT Center For Human Genetics Tuebingen Variant Classification Criteria Version 2. Collection method: clinical testing. Allele origin: germline. Affected: yes. Observed: 1 variant allele.

Fulgent Genetics
Classification: Uncertain significance for Episodic ataxia type 6. Last evaluated: 2018-10-31. Review status: criteria provided, single submitter. Criteria: ACMG Guidelines, 2015. Collection method: clinical testing. Allele origin: unknown.

GeneDx
Classification: Uncertain significance. Last evaluated: 2017-04-05. Review status: criteria provided, single submitter. Criteria: GeneDx Variant Classification (06012015). Collection method: clinical testing. Allele origin: germline. Affected: yes.
Comment: The F170L variant in the SLC1A3 gene has not been reported previously as a pathogenic variant, nor as a benign variant, to our knowledge. The F170L variant is not observed at a significant frequency in large population cohorts (Lek et al., 2016; 1000 Genomes Consortium et al., 2015; Exome Variant Server). The F170L variant is a conservative amino acid substitution, which is not likely to impact secondary protein structure as these residues share similar properties. This substitution occurs at a position that is conserved across species. In silico analysis is inconsistent in its predictions as to whether or not the variant is damaging to the protein structure/function. We interpret F170L as a variant of uncertain significance.